The following is an entry in ClinVar:

ClinVar aggregate classification (germline): Conflicting classifications of pathogenicity. Review status: criteria provided, conflicting classifications (1 of 4 stars). 3 submissions from 3 submitters: Uncertain significance (2); Benign (1). Last evaluated 2024-01-01.

Conditions:
Intellectual developmental disorder, X-linked 1. Also called: Intellectual disability, X-linked 1; MENTAL RETARDATION, X-LINKED 18; MENTAL RETARDATION, X-LINKED 78; Atkin Flaitz Patil Smith syndrome. Identifiers: Orphanet 777, MedGen C2931498, MONDO:0010656, OMIM 309530.

Allele frequency attached by ClinVar (database versions not stated): gnomAD exomes 0.00002.
gnomAD v4.1: 4 of 1,080,464 alleles (0.00037%); highest among the groups gnomAD compares: Non-Finnish European, 0.00048%; no homozygotes.

Submissions (3):

CeGaT Center for Human Genetics Tuebingen
Classification: Uncertain significance. Last evaluated: 2024-01-01. Review status: criteria provided, single submitter. Criteria: CeGaT Center For Human Genetics Tuebingen Variant Classification Criteria Version 2. Collection method: clinical testing. Allele origin: germline. Affected: yes. Observed: 1 variant allele.
Comment: IQSEC2: PM2, PP2

GeneDx
Classification: Uncertain significance. Last evaluated: 2023-10-24. Review status: criteria provided, single submitter. Criteria: GeneDx Variant Classification Process June 2021. Collection method: clinical testing. Allele origin: germline. Affected: yes.
Comment: In silico analysis supports that this missense variant does not alter protein structure/function; Has not been previously published as pathogenic or benign to our knowledge

Labcorp Genetics (formerly Invitae), Labcorp
Classification: Benign for Intellectual developmental disorder, X-linked 1. Last evaluated: 2023-07-30. Review status: criteria provided, single submitter. Criteria: Invitae Variant Classification Sherloc (09022015). Collection method: clinical testing. Allele origin: germline.

NM_001111125.3(IQSEC2):c.4418C>T (p.Pro1473Leu)

Gene: IQSEC2 (IQ motif and Sec7 domain ArfGEF 2; minus strand). Cytogenetic location: Xp11.22.
Variant type: single nucleotide variant.
Coding change: c.4418C>T on transcript NM_001111125.3 (MANE Select); coding-DNA position 4418, C replaced by T.
Protein change: p.Pro1473Leu; replaces proline 1473 with leucine.
Molecular consequence: missense variant. On other transcripts: 3 prime UTR variant (1).
Genome position (GRCh38, 1-based): chrX:53,234,268, G>A on the plus strand (C>T on the coding strand, the complement: IQSEC2 is on the minus strand). VCF-style: chrX-53234268-G-A. GRCh37 (hg19) VCF-style: chrX-53263450-G-A.
Other names: c.*903C>T (NM_015075.2); short protein forms P1473L.
Identifiers: ClinVar variation 1218277 (VCV001218277.34), dbSNP rs1556858927, ClinGen allele CA413138298.